The following is an entry in ClinVar:

NM_030973.4(MED25):c.907+1G>A

Gene: MED25 (mediator complex subunit 25; plus strand). Cytogenetic location: 19q13.33.
Variant type: single nucleotide variant.
Coding change: c.907+1G>A on transcript NM_030973.4 (MANE Select); the canonical splice donor site of the intron after coding-DNA position 907, G replaced by A.
Molecular consequence: splice donor variant.
Genome position (GRCh38, 1-based): chr19:49,830,599, G>A. VCF-style: chr19-49830599-G-A. GRCh37 (hg19) VCF-style: chr19-50333856-G-A.
Other names: c.907+1G>A (NM_001378355.1).
Identifiers: ClinVar variation 4819534 (VCV004819534.1).

ClinVar aggregate classification (germline): Uncertain significance (1 of 4 stars; one submission).

gnomAD v4.1: 1 of 1,614,152 alleles (0.000062%); highest among the groups gnomAD compares: Non-Finnish European, 0.000085%; no homozygotes.

Submission:

GeneDx
Classification: Uncertain significance. Last evaluated: 2025-10-06. Review status: criteria provided, single submitter. Criteria: GeneDx Variant Classification Process June 2021. Collection method: clinical testing. Allele origin: germline. Affected: yes.
Comment: Not observed at significant frequency in large population cohorts (gnomAD); Has not been previously published as pathogenic or benign to our knowledge; Canonical splice site variant in a gene for which loss of function is not a known mechanism of disease